The following is an entry in ClinVar:

ClinVar aggregate classification (germline): Uncertain significance. Review status: criteria provided, multiple submitters, no conflicts (2 of 4 stars). 2 submissions from 2 submitters: Uncertain significance (2). Last evaluated 2026-01-27.

Submissions (2):

Labcorp Genetics (formerly Invitae), Labcorp
Classification: Uncertain significance. Last evaluated: 2026-01-27. Review status: criteria provided, single submitter. Criteria: Invitae Variant Classification Sherloc (09022015). Collection method: clinical testing. Allele origin: germline.
Comment: This sequence change replaces lysine, which is basic and polar, with glutamic acid, which is acidic and polar, at codon 310 of the SRP72 protein (p.Lys310Glu). This variant is not present in population databases (gnomAD no frequency). This variant has not been reported in the literature in individuals affected with SRP72-related conditions. ClinVar contains an entry for this variant (Variation ID: 3962059). Invitae Evidence Modeling of protein sequence and biophysical properties (such as structural, functional, and spatial information, amino acid conservation, physicochemical variation, residue mobility, and thermodynamic stability) indicates that this missense variant is not expected to disrupt SRP72 protein function with a negative predictive value of 80%. In summary, the available evidence is currently insufficient to determine the role of this variant in disease. Therefore, it has been classified as a Variant of Uncertain Significance.

Ambry Genetics
Classification: Uncertain significance. Last evaluated: 2025-04-07. Review status: criteria provided, single submitter. Criteria: Ambry Variant Classification Scheme 2023. Collection method: clinical testing. Allele origin: germline.
Comment: The p.K310E variant (also known as c.928A>G), located in coding exon 9 of the SRP72 gene, results from an A to G substitution at nucleotide position 928. The lysine at codon 310 is replaced by glutamic acid, an amino acid with similar properties. This amino acid position is conserved. In addition, this alteration is predicted to be deleterious by in silico analysis. Based on the available evidence, the clinical significance of this variant remains unclear.

NM_006947.4(SRP72):c.928A>G (p.Lys310Glu)

Gene: SRP72 (signal recognition particle 72; plus strand). Cytogenetic location: 4q12.
Variant type: single nucleotide variant.
Coding change: c.928A>G on transcript NM_006947.4 (MANE Select); coding-DNA position 928, A replaced by G.
Protein change: p.Lys310Glu; replaces lysine 310 with glutamic acid.
Molecular consequence: missense variant. On other transcripts: non-coding transcript variant (1).
Genome position (GRCh38, 1-based): chr4:56,483,241, A>G. VCF-style: chr4-56483241-A-G. GRCh37 (hg19) VCF-style: chr4-57349407-A-G.
Other names: c.745A>G, p.Lys249Glu (NM_001267722.2); short protein forms K249E, K310E.
Identifiers: ClinVar variation 3962059 (VCV003962059.2).